The following is an entry in ClinVar:

ClinVar aggregate classification (germline): Uncertain significance (1 of 4 stars; one submission).

Submission:

Labcorp Genetics (formerly Invitae), Labcorp
Classification: Uncertain significance. Last evaluated: 2022-04-01. Review status: criteria provided, single submitter. Criteria: Invitae Variant Classification Sherloc (09022015). Collection method: clinical testing. Allele origin: germline.
Comment: This sequence change falls in intron 4 of the INSR gene. It does not directly change the encoded amino acid sequence of the INSR protein. It affects a nucleotide within the consensus splice site. This variant is not present in population databases (gnomAD no frequency). This variant has not been reported in the literature in individuals affected with INSR-related conditions. Variants that disrupt the consensus splice site are a relatively common cause of aberrant splicing (PMID: 17576681, 9536098). Algorithms developed to predict the effect of sequence changes on RNA splicing suggest that this variant may disrupt the consensus splice site. In summary, the available evidence is currently insufficient to determine the role of this variant in disease. Therefore, it has been classified as a Variant of Uncertain Significance.

Literature cited by the submitters: PubMed 17576681; PubMed 9536098.

NM_000208.4(INSR):c.1123+4_1123+17del

Gene: INSR (insulin receptor; minus strand). Cytogenetic location: 19p13.2.
Variant type: Deletion.
Coding change: c.1123+4_1123+17del on transcript NM_000208.4 (MANE Select); bases 4 to 17 of the intron after coding-DNA position 1123, 14 bases deleted (AGTGTCTCTGTGTG).
Molecular consequence: splice donor variant.
Genome position (GRCh38, 1-based): chr19:7,174,566-7,174,579, CACACAGAGACACT deleted on the plus strand (AGTGTCTCTGTGTG on the coding strand, the reverse complement: INSR is on the minus strand); deleting any 14 consecutive bases within chr19:7,174,566-7,174,582 gives the same sequence; the c. name uses the placement nearest the transcript's 3' end. VCF-style (leftmost placement, unchanged base first): chr19-7174565-CCACACAGAGACACT-C. GRCh37 (hg19) VCF-style: chr19-7174576-CCACACAGAGACACT-C.
Other names: c.1123+4_1123+17del (NM_001079817.3).
Identifiers: ClinVar variation 2119110 (VCV002119110.4), dbSNP rs2512373894, ClinGen allele CA2580097057.